The following is an entry in ClinVar:

ClinVar aggregate classification (germline): Uncertain significance. Review status: criteria provided, multiple submitters, no conflicts (2 of 4 stars). 2 submissions from 2 submitters: Uncertain significance (2). Last evaluated 2025-05-23.

Conditions:
Fanconi anemia (FA). Also called: Fanconi's anemia. Identifiers: Orphanet 84, MedGen C0015625, MeSH D005199, MONDO:0019391.
Inborn genetic diseases. Identifiers: MedGen C0950123, MeSH D030342.

Allele frequency attached by ClinVar (database versions not stated): gnomAD exomes below 0.00001.
gnomAD v4.1: 2 of 1,614,210 alleles (0.00012%); highest among the groups gnomAD compares: Admixed American, 0.0017%; no homozygotes.

Submissions (2):

Ambry Genetics
Classification: Uncertain significance for Inborn genetic diseases. Last evaluated: 2025-05-23. Review status: criteria provided, single submitter. Criteria: Ambry Variant Classification Scheme 2023. Collection method: clinical testing. Allele origin: germline.
Comment: The p.V428I variant (also known as c.1282G>A), located in coding exon 14 of the FANCA gene, results from a G to A substitution at nucleotide position 1282. The valine at codon 428 is replaced by isoleucine, an amino acid with highly similar properties. This amino acid position is conserved. In addition, this alteration is predicted to be tolerated by in silico analysis. Based on the available evidence, the clinical significance of this variant remains unclear.

Labcorp Genetics (formerly Invitae), Labcorp
Classification: Uncertain significance for Fanconi anemia. Last evaluated: 2024-10-30. Review status: criteria provided, single submitter. Criteria: Invitae Variant Classification Sherloc (09022015). Collection method: clinical testing. Allele origin: germline.
Comment: This sequence change replaces valine, which is neutral and non-polar, with isoleucine, which is neutral and non-polar, at codon 428 of the FANCA protein (p.Val428Ile). This variant is present in population databases (no rsID available, gnomAD 0.003%). This variant has not been reported in the literature in individuals affected with FANCA-related conditions. ClinVar contains an entry for this variant (Variation ID: 1422999). Invitae Evidence Modeling of protein sequence and biophysical properties (such as structural, functional, and spatial information, amino acid conservation, physicochemical variation, residue mobility, and thermodynamic stability) indicates that this missense variant is not expected to disrupt FANCA protein function with a negative predictive value of 95%. In summary, the available evidence is currently insufficient to determine the role of this variant in disease. Therefore, it has been classified as a Variant of Uncertain Significance.

NM_000135.4(FANCA):c.1282G>A (p.Val428Ile)

Gene: FANCA (FA complementation group A; minus strand). Cytogenetic location: 16q24.3.
Variant type: single nucleotide variant.
Coding change: c.1282G>A on transcript NM_000135.4 (MANE Select); coding-DNA position 1282, G replaced by A.
Protein change: p.Val428Ile; replaces valine 428 with isoleucine.
Molecular consequence: missense variant.
Genome position (GRCh38, 1-based): chr16:89,791,480, C>T on the plus strand (G>A on the coding strand, the complement: FANCA is on the minus strand). VCF-style: chr16-89791480-C-T. GRCh37 (hg19) VCF-style: chr16-89857888-C-T.
Other names: c.1282G>A, p.Val428Ile (NM_001286167.3); c.1282G>A (NM_000135.2); short protein forms V428I.
Identifiers: ClinVar variation 1422999 (VCV001422999.9), dbSNP rs1026686587, ClinGen allele CA286592172.